The following is an entry in ClinVar:

NM_000338.3(SLC12A1):c.1614T>G (p.Tyr538Ter)

Gene: SLC12A1 (solute carrier family 12 member 1; plus strand). Cytogenetic location: 15q21.1.
Variant type: single nucleotide variant.
Coding change: c.1614T>G on transcript NM_000338.3 (MANE Select); coding-DNA position 1614, T replaced by G.
Protein change: p.Tyr538Ter; replaces tyrosine 538 with a stop codon.
Molecular consequence: nonsense.
Genome position (GRCh38, 1-based): chr15:48,247,390, T>G. VCF-style: chr15-48247390-T-G. GRCh37 (hg19) VCF-style: chr15-48539587-T-G.
Other names: c.1614T>G, p.Tyr538Ter (NM_001384136.1, NM_001184832.2); short protein forms Y538*.
Identifiers: ClinVar variation 2692633 (VCV002692633.3), dbSNP rs6493311, ClinGen allele CA392312392.

ClinVar aggregate classification (germline): Pathogenic (1 of 4 stars; one submission).

Submission:

Labcorp Genetics (formerly Invitae), Labcorp
Classification: Pathogenic. Last evaluated: 2023-11-02. Review status: criteria provided, single submitter. Criteria: Invitae Variant Classification Sherloc (09022015). Collection method: clinical testing. Allele origin: germline.
Comment: This sequence change creates a premature translational stop signal (p.Tyr538*) in the SLC12A1 gene. It is expected to result in an absent or disrupted protein product. Loss-of-function variants in SLC12A1 are known to be pathogenic (PMID: 8640224, 9585600, 19096086). This variant is not present in population databases (gnomAD no frequency). This premature translational stop signal has been observed in individual(s) with Bartter syndrome type I (PMID: 27748541). Algorithms developed to predict the effect of sequence changes on RNA splicing suggest that this variant may disrupt the consensus splice site. For these reasons, this variant has been classified as Pathogenic.

Literature cited by the submitters: PubMed 8640224; PubMed 9585600; PubMed 19096086; PubMed 27748541.